The following is an entry in ClinVar:

ClinVar aggregate classification (germline): Uncertain significance. Review status: criteria provided, multiple submitters, no conflicts (2 of 4 stars). 2 submissions from 2 submitters: Uncertain significance (2). Last evaluated 2025-03-31.

Conditions:
Encephalopathy, acute, infection-induced (herpes-specific), susceptibility to, 6. Also called: Herpes simplex encephalitis, susceptibility to, 4. Identifiers: Orphanet 1930, MedGen C3553869, MONDO:0013921, OMIM 614850.

Allele frequency attached by ClinVar (database versions not stated): TOPMed 0.00002; 1000 Genomes Project 0.00020; ExAC 0.00004; 1000 Genomes Project 30x 0.00016.
gnomAD v4.1: 23 of 1,613,856 alleles (0.0014%); highest among the groups gnomAD compares: East Asian, 0.049%; no homozygotes.

Submissions (2):

Labcorp Genetics (formerly Invitae), Labcorp
Classification: Uncertain significance for Encephalopathy, acute, infection-induced (herpes-specific), susceptibility to, 6. Last evaluated: 2025-03-31. Review status: criteria provided, single submitter. Criteria: Invitae Variant Classification Sherloc (09022015). Collection method: clinical testing. Allele origin: germline.
Comment: This sequence change replaces cysteine, which is neutral and slightly polar, with tyrosine, which is neutral and polar, at codon 485 of the TICAM1 protein (p.Cys485Tyr). This variant is present in population databases (rs199751361, gnomAD 0.09%). This variant has not been reported in the literature in individuals affected with TICAM1-related conditions. ClinVar contains an entry for this variant (Variation ID: 953977). An algorithm developed to predict the effect of missense changes on protein structure and function (PolyPhen-2) suggests that this variant is likely to be disruptive. In summary, the available evidence is currently insufficient to determine the role of this variant in disease. Therefore, it has been classified as a Variant of Uncertain Significance.

Ambry Genetics
Classification: Uncertain significance. Last evaluated: 2023-09-26. Review status: criteria provided, single submitter. Criteria: Ambry Variant Classification Scheme 2023. Collection method: clinical testing. Allele origin: germline.

NM_182919.4(TICAM1):c.1454G>A (p.Cys485Tyr)

Gene: TICAM1 (TIR domain containing adaptor molecule 1; minus strand). Cytogenetic location: 19p13.3.
Variant type: single nucleotide variant.
Coding change: c.1454G>A on transcript NM_182919.4 (MANE Select); coding-DNA position 1454, G replaced by A.
Protein change: p.Cys485Tyr; replaces cysteine 485 with tyrosine.
Molecular consequence: missense variant.
Genome position (GRCh38, 1-based): chr19:4,816,924, C>T on the plus strand (G>A on the coding strand, the complement: TICAM1 is on the minus strand). VCF-style: chr19-4816924-C-T. GRCh37 (hg19) VCF-style: chr19-4816936-C-T.
Other names: c.1454G>A (NM_182919.2); short protein forms C485Y.
Identifiers: ClinVar variation 953977 (VCV000953977.10), dbSNP rs199751361, ClinGen allele CA9105129.